The following is an entry in ClinVar:

NM_006031.6(PCNT):c.1680-1G>C

Gene: PCNT (pericentrin; plus strand). Cytogenetic location: 21q22.3.
Variant type: single nucleotide variant.
Coding change: c.1680-1G>C on transcript NM_006031.6 (MANE Select); the canonical splice acceptor site of the intron before coding-DNA position 1680, G replaced by C.
Molecular consequence: splice acceptor variant.
Genome position (GRCh38, 1-based): chr21:46,353,986, G>C. VCF-style: chr21-46353986-G-C. GRCh37 (hg19) VCF-style: chr21-47773900-G-C.
Other names: c.1326-1G>C (NM_001315529.2).
Identifiers: ClinVar variation 2737012 (VCV002737012.5), dbSNP rs2518128693, ClinGen allele CA410561615.

ClinVar aggregate classification (germline): Likely pathogenic. Review status: criteria provided, multiple submitters, no conflicts (2 of 4 stars). 2 submissions from 2 submitters: Likely pathogenic (2). Last evaluated 2024-01-20.

Conditions:
Microcephalic osteodysplastic primordial dwarfism type II (MOPD2). Also called: Microcephalic osteodysplastic primordial dwarfism with tooth abnormalities; MOPD II; OSTEODYSPLASTIC PRIMORDIAL DWARFISM, TYPE II. Identifiers: Orphanet 2637, MedGen C0432246, MONDO:0008872, OMIM 210720.

gnomAD v4.1: 5 of 1,613,296 alleles (0.00031%); highest among the groups gnomAD compares: Non-Finnish European, 0.00042%; no homozygotes.

Submissions (2):

Labcorp Genetics (formerly Invitae), Labcorp
Classification: Likely pathogenic. Last evaluated: 2024-01-20. Review status: criteria provided, single submitter. Criteria: Invitae Variant Classification Sherloc (09022015). Collection method: clinical testing. Allele origin: germline.
Comment: This sequence change affects an acceptor splice site in intron 10 of the PCNT gene. It is expected to disrupt RNA splicing. Variants that disrupt the donor or acceptor splice site typically lead to a loss of protein function (PMID: 16199547), and loss-of-function variants in PCNT are known to be pathogenic (PMID: 18174396, 22821869). This variant is not present in population databases (gnomAD no frequency). Disruption of this splice site has been observed in individual(s) with microcephalic osteodysplastic primordial dwarfism (PMID: 18174396). Algorithms developed to predict the effect of sequence changes on RNA splicing suggest that this variant may disrupt the consensus splice site. In summary, the currently available evidence indicates that the variant is pathogenic, but additional data are needed to prove that conclusively. Therefore, this variant has been classified as Likely Pathogenic.

Breakthrough Genomics
Classification: Likely pathogenic for Microcephalic osteodysplastic primordial dwarfism type II. Last evaluated: 2023-03-15. Review status: criteria provided, single submitter. Criteria: ACMG Guidelines, 2015. Collection method: clinical testing. Allele origin: germline. Affected: yes.
Comment: In silico splice prediction tools (ASSP and NNSPLICE) suggest that this variant might affect splicing due to the loss of constitutive splice site and introduction of a new splice site, which in turn might lead to a frameshift and consequent premature termination of the protein; this will likely result in loss-of-function. The variant seems to be a novel variant, as it has not been previously reported in population or public databases or in the literature. However, splice variants, lying downstream of the identified variant, have been reported as pathogenic in the ClinVar database in the context of microcephalic osteodysplastic primordial dwarfism type II.

Literature cited by the submitters: PubMed 16199547 (cited by Labcorp Genetics (formerly Invitae), Labcorp); PubMed 18174396 (cited by Labcorp Genetics (formerly Invitae), Labcorp); PubMed 22821869 (cited by Labcorp Genetics (formerly Invitae), Labcorp).